The following is an entry in ClinVar:

NM_005612.5(REST):c.2917A>G (p.Met973Val)

Gene: REST (RE1 silencing transcription factor; plus strand). Cytogenetic location: 4q12.
Variant type: single nucleotide variant.
Coding change: c.2917A>G on transcript NM_005612.5 (MANE Select); coding-DNA position 2917, A replaced by G.
Protein change: p.Met973Val; replaces methionine 973 with valine.
Molecular consequence: missense variant.
Genome position (GRCh38, 1-based): chr4:56,931,775, A>G. VCF-style: chr4-56931775-A-G. GRCh37 (hg19) VCF-style: chr4-57797941-A-G.
Other names: c.2917A>G, p.Met973Val (NM_001193508.2, NM_001363453.3); short protein forms M973V.
Identifiers: ClinVar variation 1357352 (VCV001357352.9), dbSNP rs773073831, ClinGen allele CA2932582.

ClinVar aggregate classification (germline): Uncertain significance. Review status: criteria provided, multiple submitters, no conflicts (2 of 4 stars). 3 submissions from 3 submitters: Uncertain significance (3). Last evaluated 2025-08-27.

Conditions:
Autosomal dominant nonsyndromic hearing loss 27. Also called: Deafness, autosomal dominant 27. Identifiers: Orphanet 90635, MedGen C3887929, MONDO:0012902, OMIM 612431.
Fibromatosis, gingival, 5. Also called: FIBROMATOSIS, GINGIVAL, HEREDITARY, 5. Identifiers: MedGen C4539942, MONDO:0033493, OMIM 617626.
Wilms tumor 6 (WT6). Also called: WILMS TUMOR 6, SUSCEPTIBILITY TO. Identifiers: Orphanet 654, MedGen C3891301, MONDO:0014779, OMIM 616806.

Allele frequency attached by ClinVar (database versions not stated): TOPMed below 0.00001; gnomAD exomes 0.00001; ExAC 0.00002; gnomAD 0.00002.
gnomAD v4.1: 19 of 1,614,062 alleles (0.0012%); highest among the groups gnomAD compares: South Asian, 0.0022%; no homozygotes.

Submissions (3):

Labcorp Genetics (formerly Invitae), Labcorp
Classification: Uncertain significance. Last evaluated: 2025-08-27. Review status: criteria provided, single submitter. Criteria: Invitae Variant Classification Sherloc (09022015). Collection method: clinical testing. Allele origin: germline.
Comment: This sequence change replaces methionine, which is neutral and non-polar, with valine, which is neutral and non-polar, at codon 973 of the REST protein (p.Met973Val). This variant is present in population databases (rs773073831, gnomAD 0.003%). This variant has not been reported in the literature in individuals affected with REST-related conditions. ClinVar contains an entry for this variant (Variation ID: 1357352). An algorithm developed to predict the effect of missense changes on protein structure and function outputs the following: PolyPhen-2: "Benign". The valine amino acid residue is found in multiple mammalian species, which suggests that this missense change does not adversely affect protein function. In summary, the available evidence is currently insufficient to determine the role of this variant in disease. Therefore, it has been classified as a Variant of Uncertain Significance.

Fulgent Genetics
Classification: Uncertain significance for Autosomal dominant nonsyndromic hearing loss 27; Wilms tumor 6; Fibromatosis, gingival, 5. Last evaluated: 2024-04-26. Review status: criteria provided, single submitter. Criteria: ACMG Guidelines, 2015. Collection method: clinical testing. Allele origin: germline.

GeneDx
Classification: Uncertain significance. Last evaluated: 2023-06-21. Review status: criteria provided, single submitter. Criteria: GeneDx Variant Classification Process June 2021. Collection method: clinical testing. Allele origin: germline. Affected: yes.
Comment: In silico analysis supports that this missense variant does not alter protein structure/function; Has not been previously published as pathogenic or benign to our knowledge